The following is an entry in ClinVar:

ClinVar aggregate classification (germline): Uncertain significance (1 of 4 stars; one submission).

Submission:

GeneDx
Classification: Uncertain significance. Last evaluated: 2019-03-11. Review status: criteria provided, single submitter. Criteria: GeneDx Variant Classification Process June 2021. Collection method: clinical testing. Allele origin: germline. Affected: yes.
Comment: Not observed in large population cohorts (Lek et al., 2016; McVean et al., 2012; Exome Variant Server); In silico analysis, which includes protein predictors and evolutionary conservation, supports that this variant does not alter protein structure/function; Has not been previously published as pathogenic or benign to our knowledge

NM_001145358.2(SIN3A):c.3428A>C (p.Gln1143Pro)

Gene: SIN3A (SIN3 transcription regulator family member A; minus strand). Cytogenetic location: 15q24.2.
Variant type: single nucleotide variant.
Coding change: c.3428A>C on transcript NM_001145358.2 (MANE Select); coding-DNA position 3428, A replaced by C.
Protein change: p.Gln1143Pro; replaces glutamine 1143 with proline.
Molecular consequence: missense variant.
Genome position (GRCh38, 1-based): chr15:75,375,828, T>G on the plus strand (A>C on the coding strand, the complement: SIN3A is on the minus strand). VCF-style: chr15-75375828-T-G. GRCh37 (hg19) VCF-style: chr15-75668169-T-G.
Other names: c.3428A>C, p.Gln1143Pro (NM_001145357.2, NM_015477.3); short protein forms Q1143P.
Identifiers: ClinVar variation 1307873 (VCV001307873.2), dbSNP rs2141368881, ClinGen allele CA393486007.